The following continues an entry in ClinVar:

NM_000018.4(ACADVL):c.1434G>A (p.Met478Ile)

Gene: ACADVL. ClinVar aggregate classification (germline): Likely pathogenic. Likely pathogenic (1).

Submissions 10 to 14 of 14:

ARUP Laboratories, Molecular Genetics and Genomics, ARUP Laboratories
Classification: Uncertain significance for Very long chain acyl-CoA dehydrogenase deficiency. Last evaluated: 2021-09-09. Review status: criteria provided, single submitter. Criteria: ARUP Molecular Germline Variant Investigation Process 2021. Collection method: clinical testing. Allele origin: germline. Not counted in ClinVar's aggregate classification.
Comment: The ACADVL c.1434G>A; p.Met478Ile variant (rs775537775) is reported in the literature in one individual with abnormal results on newborn screening for very long-chain acyl-CoA dehydrogenase (VLCAD) deficiency (Lin 2020). This variant is reported in ClinVar (Variation ID: 429246). This variant is found in the East Asian population with an allele frequency of 0.21% (42/19952 alleles) in the Genome Aggregation Database. The methionine at codon 478 is weakly conserved, but computational analyses are uncertain whether this variant is neutral or deleterious (REVEL: 0.457). This variant changes the last nucleotide on exon 14 that is highly conserved, and computational analyses (Alamut v.2.11) predict that this variant may impact splicing by weakening the nearby canonical donor splice site. Based on available information, this variant is considered to be VUS References: Lin Y et al. Newborn screening and genetic characteristics of patients with short- and very long-chain acyl-CoA dehydrogenase deficiencies. Clin Chim Acta. 2020 Nov;510:285-290. PMID: 32710939.

Wong Mito Lab, Molecular and Human Genetics, Baylor College of Medicine
Classification: Uncertain significance for Very long chain acyl-CoA dehydrogenase deficiency. Last evaluated: 2019-11-01. Review status: criteria provided, single submitter. Criteria: ACMG Guidelines, 2015. Collection method: clinical testing. Allele origin: germline. Not counted in ClinVar's aggregate classification.
Comment: The NM_000018.3:c.1434G>A (NP_000009.1:p.Met478Ile) [GRCH38: NC_000017.11:g.7224069G>A] variant in ACADVL gene is interpretated to be Uncertain Significance based on ACMG guidelines (PMID: 25741868). This variant has been reported. This variant meets the following evidence codes reported in the ACMG guidelines: BP4

GeneDx
Classification: Uncertain significance. Last evaluated: 2017-04-17. Review status: criteria provided, single submitter. Criteria: GeneDx Variant Classification (06012015). Collection method: clinical testing. Allele origin: germline. Affected: yes. Not counted in ClinVar's aggregate classification.
Comment: TheM478I (c.1434 G>A) variant has not been published as a pathogenic variant, nor has it been reportedas a benign variant to our knowledge. The M478I variant is observed in 18/8648 (0.208%) allelesfrom individuals of East Asian background in the the ExAC dataset (Lek et al., 2016). The M478Ivariant is a conservative amino acid substitution, which is not likely to impact secondary structure asthese residues share similar properties. This substitution occurs at a position that is not conserved. Insilico analysis predicts this variant is probably damaging to the protein structure/function.Additionally, in silico analysis predicts that the c.1434 G>A variant responsible for M478I, damagesthe natural splice donor site which may lead to abnormal gene splicing. However, in the absence ofRNA/functional studies, the actual effect of this sequence change in this individual is unknown. Insummary, based on the currently available information, it is unclear whether this variant is apathogenic variant or a rare benign variant.

Juno Genomics, Hangzhou Juno Genomics, Inc
Classification: Pathogenic for Very long chain acyl-CoA dehydrogenase deficiency. Review status: criteria provided, single submitter. Criteria: ACMG Guidelines, 2015. Collection method: clinical testing. Allele origin: germline. Not counted in ClinVar's aggregate classification.
Comment: For recessive disorders, detected in trans with a pathogenic variant.;Patient's phenotype or family history is highly specific for a disease with a single genetic etiology.

Dr. Peter K. Rogan Lab, Western University
No classification provided (evidence only). Condition: Malignant tumor of urinary bladder. Review status: no classification provided. Collection method: in vitro. Allele origin: not applicable. Functional consequence: skipped exon, retained intron. Not counted in ClinVar's aggregate classification.

Literature cited by the submitters: PubMed 17576681 (cited by Labcorp Genetics (formerly Invitae), Labcorp); PubMed 9536098 (cited by Labcorp Genetics (formerly Invitae), Labcorp); PubMed 32710939 (cited by 4 submitters); PubMed 38390979 (cited by Myriad Genetics, Inc. and Women's Health and Genetics/Laboratory Corporation of America, LabCorp); PubMed 35400565 (cited by Natera, Inc. and Women's Health and Genetics/Laboratory Corporation of America, LabCorp); PubMed 38187300 (cited by Women's Health and Genetics/Laboratory Corporation of America, LabCorp).